The following is an entry in ClinVar:

ClinVar aggregate classification (germline): Uncertain significance. Review status: criteria provided, multiple submitters, no conflicts (2 of 4 stars). 2 submissions from 2 submitters: Uncertain significance (2). Last evaluated 2025-02-25.

Conditions:
Hereditary cancer-predisposing syndrome. Also called: Neoplastic Syndromes, Hereditary; Hereditary Cancer Syndrome; Hereditary neoplastic syndrome; Tumor predisposition. Identifiers: Orphanet 140162, MedGen C0027672, MeSH D009386, MONDO:0015356.
Fanconi anemia complementation group O. Also called: RAD51C-Related Fanconi Anemia. Identifiers: Orphanet 84, MedGen C3150653, MONDO:0013248, OMIM 613390.

Allele frequency attached by ClinVar (database versions not stated): gnomAD exomes 0.00001.
gnomAD v4.1: 5 of 1,614,230 alleles (0.00031%); highest among the groups gnomAD compares: East Asian, 0.0045%; no homozygotes.

Submissions (2):

Ambry Genetics
Classification: Uncertain significance for Hereditary cancer-predisposing syndrome. Last evaluated: 2025-02-25. Review status: criteria provided, single submitter. Criteria: Ambry Variant Classification Scheme 2023. Collection method: clinical testing. Allele origin: germline.
Comment: The p.G31E variant (also known as c.92G>A), located in coding exon 1 of the RAD51C gene, results from a G to A substitution at nucleotide position 92. The glycine at codon 31 is replaced by glutamic acid, an amino acid with similar properties. In a homology-directed DNA repair (HDR) assay, this alteration showed a functionally normal read-out (Hu C et al. Cancer Res, 2023 Aug;83:2557-2571). This amino acid position is highly conserved in available vertebrate species. In addition, this alteration is predicted to be deleterious by in silico analysis. Based on the available evidence, the clinical significance of this variant remains unclear.

Labcorp Genetics (formerly Invitae), Labcorp
Classification: Uncertain significance for Fanconi anemia complementation group O. Last evaluated: 2021-09-18. Review status: criteria provided, single submitter. Criteria: Invitae Variant Classification Sherloc (09022015). Collection method: clinical testing. Allele origin: germline.
Comment: In summary, the available evidence is currently insufficient to determine the role of this variant in disease. Therefore, it has been classified as a Variant of Uncertain Significance. Algorithms developed to predict the effect of missense changes on protein structure and function are either unavailable or do not agree on the potential impact of this missense change (SIFT: "Deleterious"; PolyPhen-2: "Probably Damaging"; Align-GVGD: "Class C0"). This variant has not been reported in the literature in individuals with RAD51C-related conditions. ClinVar contains an entry for this variant (Variation ID: 141024). This variant is not present in population databases (ExAC no frequency). This sequence change replaces glycine with glutamic acid at codon 31 of the RAD51C protein (p.Gly31Glu). The glycine residue is highly conserved and there is a moderate physicochemical difference between glycine and glutamic acid.

Literature cited by the submitters: PubMed 37253112 (cited by Ambry Genetics).

NM_058216.3(RAD51C):c.92G>A (p.Gly31Glu)

Gene: RAD51C (RAD51 paralog C; plus strand). Cytogenetic location: 17q22.
Variant type: single nucleotide variant.
Coding change: c.92G>A on transcript NM_058216.3 (MANE Select); coding-DNA position 92, G replaced by A.
Protein change: p.Gly31Glu; replaces glycine 31 with glutamic acid.
Molecular consequence: missense variant. On other transcripts: non-coding transcript variant (1).
Genome position (GRCh38, 1-based): chr17:58,692,735, G>A. VCF-style: chr17-58692735-G-A. GRCh37 (hg19) VCF-style: chr17-56770096-G-A.
Other names: c.92G>A, p.Gly31Glu (NM_002876.4); short protein forms G31E.
Identifiers: ClinVar variation 141024 (VCV000141024.14), dbSNP rs587781441, ClinGen allele CA164261.